The following is an entry in ClinVar:

ClinVar aggregate classification (germline): Benign/Likely benign. Review status: criteria provided, multiple submitters, no conflicts (2 of 4 stars). 6 submissions from 6 submitters: Benign (2); Likely benign (3). 1 of the submissions does not count toward it. Last evaluated 2026-06-01.

Conditions:
DNAH7-related disorder. Also called: DNAH7-related condition.

Allele frequency attached by ClinVar (database versions not stated): 1000 Genomes Project 30x 0.00453; 1000 Genomes Project 0.00459; TOPMed 0.00869; gnomAD 0.00891 and 0.00904; ExAC 0.00904; gnomAD exomes 0.00925; ESP Exome Variant Server 0.00991.
gnomAD v4.1: 17,757 of 1,592,638 alleles (1.1%); highest among the groups gnomAD compares: Non-Finnish European, 1.3%; 126 homozygotes.

Submissions (23):

CeGaT Center for Human Genetics Tuebingen
Classification: Benign. Last evaluated: 2026-06-01. Review status: criteria provided, single submitter. Criteria: CeGaT Center For Human Genetics Tuebingen Variant Classification Criteria Version 2. Collection method: clinical testing. Allele origin: germline. Affected: yes. Observed: 4 variant alleles.
Comment: DNAH7: BS1, BS2

Genomic Medicine Center of Excellence, King Faisal Specialist Hospital and Research Centre
Classification: Likely benign. Last evaluated: 2025-08-18. Review status: criteria provided, single submitter. Criteria: ACMG Guidelines, 2015. Collection method: clinical testing. Allele origin: germline.

Labcorp Genetics (formerly Invitae), Labcorp
Classification: Benign. Last evaluated: 2019-12-31. Review status: criteria provided, single submitter. Criteria: Invitae Variant Classification Sherloc (09022015). Collection method: clinical testing. Allele origin: germline.

Laboratory for Molecular Medicine, Mass General Brigham Personalized Medicine
Classification: Likely benign. Last evaluated: 2016-03-29. Review status: criteria provided, single submitter. Criteria: LMM Criteria. Collection method: clinical testing. Allele origin: germline.
Comment: Variant identified in a genome or exome case(s) and assessed due to predicted null impact of the variant or pathogenic assertions in the literature or databases. Disclaimer: This variant has not undergone full assessment. The following are preliminary notes: Frequency

Breakthrough Genomics
Classification: Likely benign. Review status: criteria provided, single submitter. Criteria: ACMG Guidelines, 2015. Collection method: not provided. Allele origin: germline. Inheritance: Unknown mechanism. Affected: yes.

PreventionGenetics, part of Exact Sciences
Classification: Benign for DNAH7-related condition. Last evaluated: 2020-03-02. Review status: no assertion criteria provided. Collection method: clinical testing. Allele origin: germline. Not counted in ClinVar's aggregate classification.
Comment: This variant is classified as benign based on ACMG/AMP sequence variant interpretation guidelines (Richards et al. 2015 PMID: 25741868, with internal and published modifications).

Dr. Peter K. Rogan Lab, Western University
No classification provided (evidence only). Condition: Lung cancer. Review status: no classification provided. Collection method: in vitro. Allele origin: not applicable. Functional consequence: retained intron. Not counted in ClinVar's aggregate classification.

Dr. Peter K. Rogan Lab, Western University
No classification provided (evidence only). Condition: Lung cancer. Review status: no classification provided. Collection method: in vitro. Allele origin: not applicable. Functional consequence: retained intron. Not counted in ClinVar's aggregate classification.

Dr. Peter K. Rogan Lab, Western University
No classification provided (evidence only). Condition: Lung cancer. Review status: no classification provided. Collection method: in vitro. Allele origin: not applicable. Functional consequence: retained intron. Not counted in ClinVar's aggregate classification.

Dr. Peter K. Rogan Lab, Western University
No classification provided (evidence only). Condition: Lung cancer. Review status: no classification provided. Collection method: in vitro. Allele origin: not applicable. Functional consequence: retained intron. Not counted in ClinVar's aggregate classification.

Dr. Peter K. Rogan Lab, Western University
No classification provided (evidence only). Condition: Melanoma. Review status: no classification provided. Collection method: in vitro. Allele origin: not applicable. Functional consequence: retained intron. Not counted in ClinVar's aggregate classification.

Dr. Peter K. Rogan Lab, Western University
No classification provided (evidence only). Condition: Familial cancer of breast. Review status: no classification provided. Collection method: in vitro. Allele origin: not applicable. Functional consequence: retained intron. Not counted in ClinVar's aggregate classification.

Dr. Peter K. Rogan Lab, Western University
No classification provided (evidence only). Condition: Acute myeloid leukemia. Review status: no classification provided. Collection method: in vitro. Allele origin: not applicable. Functional consequence: retained intron. Not counted in ClinVar's aggregate classification.

Dr. Peter K. Rogan Lab, Western University
No classification provided (evidence only). Condition: Colon adenocarcinoma. Review status: no classification provided. Collection method: in vitro. Allele origin: not applicable. Functional consequence: retained intron. Not counted in ClinVar's aggregate classification.

Dr. Peter K. Rogan Lab, Western University
No classification provided (evidence only). Condition: Thyroid cancer, nonmedullary, 1. Review status: no classification provided. Collection method: in vitro. Allele origin: not applicable. Functional consequence: retained intron. Not counted in ClinVar's aggregate classification.

Dr. Peter K. Rogan Lab, Western University
No classification provided (evidence only). Condition: Uterine corpus endometrial carcinoma. Review status: no classification provided. Collection method: in vitro. Allele origin: not applicable. Functional consequence: retained intron. Not counted in ClinVar's aggregate classification.

Dr. Peter K. Rogan Lab, Western University
No classification provided (evidence only). Condition: Ovarian serous cystadenocarcinoma. Review status: no classification provided. Collection method: in vitro. Allele origin: not applicable. Functional consequence: retained intron. Not counted in ClinVar's aggregate classification.

Dr. Peter K. Rogan Lab, Western University
No classification provided (evidence only). Condition: Ovarian serous cystadenocarcinoma. Review status: no classification provided. Collection method: in vitro. Allele origin: not applicable. Functional consequence: retained intron. Not counted in ClinVar's aggregate classification.

Dr. Peter K. Rogan Lab, Western University
No classification provided (evidence only). Condition: Ovarian serous cystadenocarcinoma. Review status: no classification provided. Collection method: in vitro. Allele origin: not applicable. Functional consequence: retained intron. Not counted in ClinVar's aggregate classification.

Dr. Peter K. Rogan Lab, Western University
No classification provided (evidence only). Condition: Gastric cancer. Review status: no classification provided. Collection method: in vitro. Allele origin: not applicable. Functional consequence: retained intron. Not counted in ClinVar's aggregate classification.

Dr. Peter K. Rogan Lab, Western University
No classification provided (evidence only). Condition: Gastric cancer. Review status: no classification provided. Collection method: in vitro. Allele origin: not applicable. Functional consequence: retained intron. Not counted in ClinVar's aggregate classification.

Dr. Peter K. Rogan Lab, Western University
No classification provided (evidence only). Condition: Malignant tumor of esophagus. Review status: no classification provided. Collection method: in vitro. Allele origin: not applicable. Functional consequence: skipped exon. Not counted in ClinVar's aggregate classification.

Dr. Peter K. Rogan Lab, Western University
No classification provided (evidence only). Condition: Malignant tumor of esophagus. Review status: no classification provided. Collection method: in vitro. Allele origin: not applicable. Functional consequence: retained intron. Not counted in ClinVar's aggregate classification.

NM_018897.3(DNAH7):c.1139T>G (p.Met380Arg)

Gene: DNAH7 (dynein axonemal heavy chain 7; minus strand). Cytogenetic location: 2q32.3.
Variant type: single nucleotide variant.
Coding change: c.1139T>G on transcript NM_018897.3 (MANE Select); coding-DNA position 1139, T replaced by G.
Protein change: p.Met380Arg; replaces methionine 380 with arginine.
Molecular consequence: missense variant.
Genome position (GRCh38, 1-based): chr2:196,001,709, A>C on the plus strand (T>G on the coding strand, the complement: DNAH7 is on the minus strand). VCF-style: chr2-196001709-A-C. GRCh37 (hg19) VCF-style: chr2-196866433-A-C.
Other names: short protein forms M380R.
Identifiers: ClinVar variation 402759 (VCV000402759.20), dbSNP rs144390858, ClinGen allele CA2036747.